The following is an entry in ClinVar:

ClinVar aggregate classification (germline): Conflicting classifications of pathogenicity. Review status: criteria provided, conflicting classifications (1 of 4 stars). 26 submissions from 22 submitters: Uncertain significance (3); Benign (12); Likely benign (5). 6 of the submissions do not count toward it. Last evaluated 2026-08-01.

Conditions:
Primary dilated cardiomyopathy (DCM). Also called: Dilated Cardiomyopathy. Identifiers: Orphanet 217604, MedGen C0007193, MeSH D002311, MONDO:0005021, HP:0001644. Inheritance: Various modes of inheritance.
Atrial fibrillation. Identifiers: MedGen C0004238, MONDO:0004981, HP:0005110.
Dilated cardiomyopathy 1G (CMD1G). Identifiers: Orphanet 154, MedGen C1858763, MONDO:0011400, OMIM 604145.
Autosomal recessive limb-girdle muscular dystrophy type 2J (LGMDR10). Also called: MUSCULAR DYSTROPHY, LIMB-GIRDLE, AUTOSOMAL RECESSIVE 10; Limb-girdle muscular dystrophy, type 2J. Identifiers: Orphanet 140922, MedGen C1837342, MONDO:0012127, OMIM 608807.
Cardiovascular phenotype. Identifiers: MedGen CN230736.
Cardiomyopathy (CMYO). Also called: Cardiomyopathies. Identifiers: Orphanet 167848, MedGen C0878544, MONDO:0004994, HP:0001638. Inheritance: Various modes of inheritance.
Early-onset myopathy with fatal cardiomyopathy (CMYO5). Also called: CONGENITAL MYOPATHY 5 WITH CARDIOMYOPATHY; Salih Myopathy. Identifiers: Orphanet 289377, MedGen C2673677, MONDO:0012714, OMIM 611705. Disease mechanism: loss of function.
Myopathy, myofibrillar, 9, with early respiratory failure (MFM9). Also called: Myopathy, distal, with early respiratory failure, autosomal dominant; Hereditary myopathy with early respiratory failure; MYOPATHY, PROXIMAL, WITH EARLY RESPIRATORY MUSCLE INVOLVEMENT; EDSTROM MYOPATHY. Identifiers: Orphanet 178464, Orphanet 34521, MedGen C1863599, MONDO:0011362, OMIM 603689.
Tibial muscular dystrophy (TMD). Also called: Udd Distal Myopathy – Tibial Muscular Dystrophy; Tibial muscular dystrophy, tardive; UDD MYOPATHY. Identifiers: Orphanet 609, MedGen C1838244, MONDO:0010870, OMIM 600334.

Allele frequency attached by ClinVar (database versions not stated): TOPMed 0.00321; gnomAD 0.00285 and 0.00287; gnomAD exomes 0.00336; ESP Exome Variant Server 0.00344; 1000 Genomes Project 0.00140; 1000 Genomes Project 30x 0.00156; ExAC 0.00305.
gnomAD v4.1: 4,480 of 1,612,390 alleles (0.28%); highest among the groups gnomAD compares: Middle Eastern, 1.2%; 17 homozygotes.

Submissions 1 to 17 of 26:

CeGaT Center for Human Genetics Tuebingen
Classification: Likely benign. Last evaluated: 2026-08-01. Review status: criteria provided, single submitter. Criteria: CeGaT Center For Human Genetics Tuebingen Variant Classification Criteria Version 2. Collection method: clinical testing. Allele origin: germline. Affected: yes. Observed: 81 variant alleles.
Comment: TTN: BP4, BS2

Labcorp Genetics (formerly Invitae), Labcorp
Classification: Benign for Dilated cardiomyopathy 1G; Autosomal recessive limb-girdle muscular dystrophy type 2J. Last evaluated: 2026-02-01. Review status: criteria provided, single submitter. Criteria: Invitae Variant Classification Sherloc (09022015). Collection method: clinical testing. Allele origin: germline.

Molecular Diagnostic Laboratory for Inherited Cardiovascular Disease, Montreal Heart Institute
Classification: Benign. Last evaluated: 2025-04-09. Review status: criteria provided, single submitter. Criteria: ACMG Guidelines, 2015. Collection method: clinical testing. Allele origin: germline. Affected: no.

ARUP Laboratories, Molecular Genetics and Genomics, ARUP Laboratories
Classification: Benign. Last evaluated: 2025-03-10. Review status: criteria provided, single submitter. Criteria: ARUP Molecular Germline Variant Investigation Process 2024. Collection method: clinical testing. Allele origin: germline.

Athena Diagnostics
Classification: Benign. Last evaluated: 2025-02-24. Review status: criteria provided, single submitter. Criteria: Athena Diagnostics Criteria. Collection method: clinical testing. Allele origin: unknown.
Comment: The frequency of this variant in the general population is higher than would generally be expected for pathogenic variants in this gene.

Blueprint Genetics
Classification: Likely benign. Last evaluated: 2024-11-26. Review status: criteria provided, single submitter. Criteria: ACMG Guidelines, 2015. Collection method: clinical testing. Allele origin: germline.

Mayo Clinic Laboratories, Mayo Clinic
Classification: Benign. Last evaluated: 2024-06-06. Review status: criteria provided, single submitter. Criteria: ACMG Guidelines, 2015. Collection method: clinical testing. Allele origin: germline. Observed: 12 variant alleles.
Comment: BS1, BS2, BP4

Women's Health and Genetics/Laboratory Corporation of America, LabCorp
Classification: Benign. Last evaluated: 2019-08-19. Review status: criteria provided, single submitter. Criteria: LabCorp Variant Classification Summary - May 2015. Collection method: clinical testing. Allele origin: germline.
Comment: Variant summary: TTN c.39611G>A (p.Arg13204Gln) results in a conservative amino acid change located in the A-band region of the encoded protein sequence. Three of five in-silico tools predict a benign effect of the variant on protein function. The variant allele was found at a frequency of 0.0034 in 247508 control chromosomes in the gnomAD database, including 3 homozygotes. The observed variant frequency is approximately 5.4 fold of the estimated maximal expected allele frequency for a pathogenic variant in TTN causing Cardiomyopathy phenotype (0.00063), strongly suggesting that the variant is benign. c.39611G>A has been reported in the literature in individuals affected with Cardiomyopathy (example Pugh_2014). These report(s) do not provide unequivocal conclusions about association of the variant with Cardiomyopathy. At-least one co-occurrence with another likely pathogenic variant has been reported in an individual with a clinical diagnosis and family history of DCM ( TTN c.50143+1G>A, Pugh_2014), providing supporting evidence for a benign role. To our knowledge, no experimental evidence demonstrating an impact on protein function has been reported. Five clinical diagnostic laboratories have submitted clinical-significance assessments for this variant to ClinVar after 2014 without evidence for independent evaluation (benign=2, likely benign = 2, VUS = 1). Based on the evidence outlined above, the variant was classified as benign.

CHEO Genetics Diagnostic Laboratory, Children's Hospital of Eastern Ontario
Classification: Benign for Cardiomyopathy. Last evaluated: 2019-07-23. Review status: criteria provided, single submitter. Criteria: ACMG Guidelines, 2015. Collection method: clinical testing. Allele origin: germline.

Center for Advanced Laboratory Medicine, UC San Diego Health, University of California San Diego
Classification: Benign for Atrial fibrillation; Dilated cardiomyopathy. Last evaluated: 2019-06-11. Review status: criteria provided, single submitter. Criteria: ACMG Guidelines, 2015. Collection method: clinical testing. Allele origin: germline. Affected: yes. Observed: 3 variant alleles.

Illumina Laboratory Services, Illumina
Classification: Benign for Tibial muscular dystrophy. Last evaluated: 2018-01-13. Review status: criteria provided, single submitter. Criteria: ICSL Variant Classification Criteria 13 December 2019. Collection method: clinical testing. Allele origin: germline.
Comment: This variant was observed in the ICSL laboratory as part of a predisposition screen in an ostensibly healthy population. It had not been previously curated by ICSL or reported in the Human Gene Mutation Database (HGMD: prior to June 1st, 2018), and was therefore a candidate for classification through an automated scoring system. Utilizing variant allele frequency, disease prevalence and penetrance estimates, and inheritance mode, an automated score was calculated to assess if this variant is too frequent to cause the disease. Based on the score and internal cut-off values, a variant classified as benign is not then subjected to further curation. The score for this variant resulted in a classification of benign for this disease.

Illumina Laboratory Services, Illumina
Classification: Uncertain significance for Dilated cardiomyopathy 1G. Last evaluated: 2018-01-13. Review status: criteria provided, single submitter. Criteria: ICSL Variant Classification Criteria 13 December 2019. Collection method: clinical testing. Allele origin: germline.

Illumina Laboratory Services, Illumina
Classification: Benign for Myopathy, myofibrillar, 9, with early respiratory failure. Last evaluated: 2018-01-13. Review status: criteria provided, single submitter. Criteria: ICSL Variant Classification Criteria 13 December 2019. Collection method: clinical testing. Allele origin: germline.
Comment: the same text as in the submission from Illumina Laboratory Services, Illumina above.

Illumina Laboratory Services, Illumina
Classification: Uncertain significance for Early-onset myopathy with fatal cardiomyopathy. Last evaluated: 2018-01-13. Review status: criteria provided, single submitter. Criteria: ICSL Variant Classification Criteria 13 December 2019. Collection method: clinical testing. Allele origin: germline.

Illumina Laboratory Services, Illumina
Classification: Uncertain significance for Autosomal recessive limb-girdle muscular dystrophy type 2J. Last evaluated: 2018-01-13. Review status: criteria provided, single submitter. Criteria: ICSL Variant Classification Criteria 13 December 2019. Collection method: clinical testing. Allele origin: germline.

GeneDx
Classification: Benign. Last evaluated: 2017-01-24. Review status: criteria provided, single submitter. Criteria: GeneDx Variant Classification (06012015). Collection method: clinical testing. Allele origin: germline. Affected: yes.
Comment: This variant is considered likely benign or benign based on one or more of the following criteria: it is a conservative change, it occurs at a poorly conserved position in the protein, it is predicted to be benign by multiple in silico algorithms, and/or has population frequency not consistent with disease.

Eurofins Ntd Llc (ga)
Classification: Likely benign. Last evaluated: 2015-07-09. Review status: criteria provided, single submitter. Criteria: EGL Classification Definitions 2015. Collection method: clinical testing. Allele origin: germline. Observed: 3 variant alleles, 2 heterozygotes.

NM_001267550.2(TTN):c.47315G>A (p.Arg15772Gln)

Genes: TTN (titin; minus strand), TTN-AS1 (TTN antisense RNA 1; plus strand). Cytogenetic location: 2q31.2.
Variant type: single nucleotide variant.
Coding change: c.47315G>A on transcript NM_001267550.2 (MANE Select); coding-DNA position 47315, G replaced by A.
Protein change: p.Arg15772Gln; replaces arginine 15772 with glutamine.
Molecular consequence: missense variant.
Genome position (GRCh38, 1-based): chr2:178,618,036, C>T on the plus strand (G>A on the coding strand, the complement: TTN is on the minus strand). VCF-style: chr2-178618036-C-T. GRCh37 (hg19) VCF-style: chr2-179482763-C-T.
Other names: p.R13204Q:CGA>CAA; p.Arg14131Gln; c.42392G>A, p.Arg14131Gln (NM_001256850.1); c.20120G>A, p.Arg6707Gln (NM_003319.4); c.39611G>A, p.Arg13204Gln (NM_133378.4); c.20495G>A, p.Arg6832Gln (NM_133432.3); c.20696G>A, p.Arg6899Gln (NM_133437.4); c.47315G>A (NM_001267550.1); short protein forms R15772Q, R13204Q, R14131Q, R6707Q, R6832Q, R6899Q.
Identifiers: ClinVar variation 47010 (VCV000047010.84), dbSNP rs72677233, ClinGen allele CA139757.